The following is an entry in ClinVar:

NM_001378454.1(ALMS1):c.5129G>C (p.Ser1710Thr)

Gene: ALMS1 (ALMS1 centrosome and basal body associated protein; plus strand). Cytogenetic location: 2p13.1.
Variant type: single nucleotide variant.
Coding change: c.5129G>C on transcript NM_001378454.1 (MANE Select); coding-DNA position 5129, G replaced by C.
Protein change: p.Ser1710Thr; replaces serine 1710 with threonine.
Molecular consequence: missense variant.
Genome position (GRCh38, 1-based): chr2:73,451,656, G>C. VCF-style: chr2-73451656-G-C. GRCh37 (hg19) VCF-style: chr2-73678783-G-C.
Other names: c.5132G>C, p.Ser1711Thr (NM_015120.4); short protein forms S1710T, S1711T.
Identifiers: ClinVar variation 845644 (VCV000845644.8), dbSNP rs1671942849, ClinGen allele CA347280059.

ClinVar aggregate classification (germline): Uncertain significance (1 of 4 stars; one submission).

Conditions:
Alstrom syndrome (ALMS). Identifiers: Orphanet 64, MedGen C0268425, MONDO:0008763, OMIM 203800.

Submission:

Labcorp Genetics (formerly Invitae), Labcorp
Classification: Uncertain significance for Alstrom syndrome. Last evaluated: 2019-01-26. Review status: criteria provided, single submitter. Criteria: Invitae Variant Classification Sherloc (09022015). Collection method: clinical testing. Allele origin: germline.
Comment: In summary, the available evidence is currently insufficient to determine the role of this variant in disease. Therefore, it has been classified as a Variant of Uncertain Significance. Algorithms developed to predict the effect of missense changes on protein structure and function are either unavailable or do not agree on the potential impact of this missense change (SIFT: "Deleterious"; PolyPhen-2: "Not available"; Align-GVGD: "Class C0"). This variant has not been reported in the literature in individuals with ALMS1-related conditions. This variant is not present in population databases (ExAC no frequency). This sequence change replaces serine with threonine at codon 1711 of the ALMS1 protein (p.Ser1711Thr). The serine residue is weakly conserved and there is a small physicochemical difference between serine and threonine.